The following is an entry in ClinVar:

ClinVar aggregate classification (germline): Conflicting classifications of pathogenicity. Review status: criteria provided, conflicting classifications (1 of 4 stars). 3 submissions from 3 submitters: Uncertain significance (1); Likely benign (2). Last evaluated 2024-09-26.

Conditions:
Familial temporal lobe epilepsy 7. Identifiers: Orphanet 101046, MedGen C4225327, MONDO:0014639, OMIM 616436.
Norman-Roberts syndrome (LIS2). Also called: Lissencephaly 2 (Norman-Roberts type). Identifiers: Orphanet 89844, MedGen C0796089, MONDO:0009760, OMIM 257320.

Allele frequency attached by ClinVar (database versions not stated): gnomAD exomes 0.00002 and 0.00004; ExAC 0.00006; gnomAD 0.00006; ESP Exome Variant Server 0.00008; TOPMed 0.00008.
gnomAD v4.1: 34 of 1,509,966 alleles (0.0023%); highest among the groups gnomAD compares: Middle Eastern, 0.017%; no homozygotes.

Submissions (3):

Blueprint Genetics
Classification: Likely benign. Last evaluated: 2024-09-26. Review status: criteria provided, single submitter. Criteria: ACMG Guidelines, 2015. Collection method: clinical testing. Allele origin: germline.

Labcorp Genetics (formerly Invitae), Labcorp
Classification: Likely benign for Familial temporal lobe epilepsy 7; Norman-Roberts syndrome. Last evaluated: 2024-07-18. Review status: criteria provided, single submitter. Criteria: Invitae Variant Classification Sherloc (09022015). Collection method: clinical testing. Allele origin: germline.

Centre for Mendelian Genomics, University Medical Centre Ljubljana
Classification: Uncertain significance for Familial temporal lobe epilepsy 7. Last evaluated: 2019-04-11. Review status: criteria provided, single submitter. Criteria: ACMG Guidelines, 2015. Collection method: clinical testing. Allele origin: unknown. Affected: yes.
Comment: This variant was classified as: Uncertain significance. The available evidence on this variant's pathogenicity is insufficient or conflicting. The following ACMG criteria were applied in classifying this variant: BP4.

NM_005045.4(RELN):c.2002+10T>C

Gene: RELN (reelin; minus strand). Cytogenetic location: 7q22.1.
Variant type: single nucleotide variant.
Coding change: c.2002+10T>C on transcript NM_005045.4 (MANE Select); 10 bases into the intron after coding-DNA position 2002, T replaced by C.
Molecular consequence: intron variant.
Genome position (GRCh38, 1-based): chr7:103,650,264, A>G on the plus strand (T>C on the coding strand, the complement: RELN is on the minus strand). VCF-style: chr7-103650264-A-G. GRCh37 (hg19) VCF-style: chr7-103290711-A-G.
Other names: c.2002+10T>C (NM_173054.3).
Identifiers: ClinVar variation 931089 (VCV000931089.12), dbSNP rs367840492, ClinGen allele CA4422117.